The following is an entry in ClinVar:

ClinVar aggregate classification (germline): Uncertain significance. Review status: criteria provided, multiple submitters, no conflicts (2 of 4 stars). 3 submissions from 3 submitters: Uncertain significance (3). Last evaluated 2026-08-06.

Conditions:
Monosomy 7 myelodysplasia and leukemia syndrome 1. Also called: Familial Mosaic Monosomy 7 Syndrome; Monosomy 7 of bone marrow; CHROMOSOME 7q DELETION. Identifiers: MedGen C1854978, MONDO:0009646, OMIM 252270.
Inborn genetic diseases. Identifiers: MedGen C0950123, MeSH D030342.

gnomAD v4.1: 1 of 1,614,094 alleles (0.000062%); highest among the groups gnomAD compares: Non-Finnish European, 0.000085%; no homozygotes.

Submissions (3):

OLLIN Analises Genomicas, OLLIN
Classification: Uncertain significance for Monosomy 7 myelodysplasia and leukemia syndrome 1. Last evaluated: 2026-08-06. Review status: criteria provided, single submitter. Criteria: ACMG Guidelines 2015 PMID 25741868. Collection method: clinical testing. Allele origin: germline. Inheritance: Autosomal dominant inheritance.
Comment: This missense variant, located in exon 5 (of 5), has been reported in ClinVar (accession VCV002979871.4) and in gnomAD with an allele frequency of 0.000062%. However, to our knowledge, it has not been reported in the scientific literature. In silico analysis predicts that this variant has a tolerated effect. According to the currently available evidence, this variant has been classified as uncertain significance (PM2_P, BP4_M).

Ambry Genetics
Classification: Uncertain significance for Inborn genetic diseases. Last evaluated: 2025-01-31. Review status: criteria provided, single submitter. Criteria: Ambry Variant Classification Scheme 2023. Collection method: clinical testing. Allele origin: germline.
Comment: The p.D243E variant (also known as c.729C>A), located in coding exon 1 of the SAMD9L gene, results from a C to A substitution at nucleotide position 729. The aspartic acid at codon 243 is replaced by glutamic acid, an amino acid with highly similar properties. This amino acid position is conserved. In addition, this alteration is predicted to be tolerated by in silico analysis. Based on the available evidence, the clinical significance of this variant remains unclear.

Labcorp Genetics (formerly Invitae), Labcorp
Classification: Uncertain significance. Last evaluated: 2023-11-07. Review status: criteria provided, single submitter. Criteria: Invitae Variant Classification Sherloc (09022015). Collection method: clinical testing. Allele origin: germline.
Comment: This sequence change replaces aspartic acid, which is acidic and polar, with glutamic acid, which is acidic and polar, at codon 243 of the SAMD9L protein (p.Asp243Glu). This variant is not present in population databases (gnomAD no frequency). This variant has not been reported in the literature in individuals affected with SAMD9L-related conditions. An algorithm developed to predict the effect of missense changes on protein structure and function (PolyPhen-2) suggests that this variant is likely to be disruptive. In summary, the available evidence is currently insufficient to determine the role of this variant in disease. Therefore, it has been classified as a Variant of Uncertain Significance.

NM_152703.5(SAMD9L):c.729C>A (p.Asp243Glu)

Gene: SAMD9L (sterile alpha motif domain containing 9 like; minus strand). Cytogenetic location: 7q21.2.
Variant type: single nucleotide variant.
Coding change: c.729C>A on transcript NM_152703.5 (MANE Select); coding-DNA position 729, C replaced by A.
Protein change: p.Asp243Glu; replaces aspartic acid 243 with glutamic acid.
Molecular consequence: missense variant.
Genome position (GRCh38, 1-based): chr7:93,135,243, G>T on the plus strand (C>A on the coding strand, the complement: SAMD9L is on the minus strand). VCF-style: chr7-93135243-G-T. GRCh37 (hg19) VCF-style: chr7-92764556-G-T.
Other names: c.729C>A (NM_152703.2); c.729C>A, p.Asp243Glu (NM_001303496.3, NM_001303497.3, NM_001303498.3 and 5 more transcripts); short protein forms D243E.
Identifiers: ClinVar variation 2979871 (VCV002979871.5), dbSNP rs936333584, ClinGen allele CA161962944.